The following is an entry in ClinVar:

ClinVar aggregate classification (germline): Uncertain significance (1 of 4 stars; one submission).

Allele frequency attached by ClinVar (database versions not stated): gnomAD exomes below 0.00001; TOPMed 0.00001.
gnomAD v4.1: 2 of 1,609,454 alleles (0.00012%); highest among the groups gnomAD compares: East Asian, 0.0045%; no homozygotes.

Submission:

Labcorp Genetics (formerly Invitae), Labcorp
Classification: Uncertain significance. Last evaluated: 2022-11-01. Review status: criteria provided, single submitter. Criteria: Invitae Variant Classification Sherloc (09022015). Collection method: clinical testing. Allele origin: germline.
Comment: In summary, the available evidence is currently insufficient to determine the role of this variant in disease. Therefore, it has been classified as a Variant of Uncertain Significance. Variants that disrupt the consensus splice site are a relatively common cause of aberrant splicing (PMID: 17576681, 9536098). Algorithms developed to predict the effect of sequence changes on RNA splicing suggest that this variant is not likely to affect RNA splicing. ClinVar contains an entry for this variant (Variation ID: 1522022). This variant has not been reported in the literature in individuals affected with SCP2-related conditions. This variant is present in population databases (no rsID available, gnomAD 0.006%). This sequence change falls in intron 9 of the SCP2 gene. It does not directly change the encoded amino acid sequence of the SCP2 protein. It affects a nucleotide within the consensus splice site.

Literature cited by the submitters: PubMed 17576681; PubMed 9536098.

NM_002979.5(SCP2):c.825+4T>G

Gene: SCP2 (sterol carrier protein 2; plus strand). Cytogenetic location: 1p32.3.
Variant type: single nucleotide variant.
Coding change: c.825+4T>G on transcript NM_002979.5 (MANE Select); 4 bases into the intron after coding-DNA position 825, T replaced by G.
Molecular consequence: intron variant.
Genome position (GRCh38, 1-based): chr1:52,978,371, T>G. VCF-style: chr1-52978371-T-G. GRCh37 (hg19) VCF-style: chr1-53444043-T-G.
Other names: c.693+4T>G (NM_001193600.2, NM_001007098.3); c.753+4T>G (NM_001193599.2); c.582+4T>G (NM_001193617.2); c.825+4T>G (NM_001330587.2).
Identifiers: ClinVar variation 1522022 (VCV001522022.5), dbSNP rs1360582997, ClinGen allele CA522900328.